The following is an entry in ClinVar:

NM_021975.4(RELA):c.35-5G>A

Gene: RELA (RELA proto-oncogene, NF-kB subunit; minus strand). Cytogenetic location: 11q13.1.
Variant type: single nucleotide variant.
Coding change: c.35-5G>A on transcript NM_021975.4 (MANE Select); 5 bases into the intron before coding-DNA position 35, G replaced by A.
Molecular consequence: intron variant.
Genome position (GRCh38, 1-based): chr11:65,662,093, C>T on the plus strand (G>A on the coding strand, the complement: RELA is on the minus strand). VCF-style: chr11-65662093-C-T. GRCh37 (hg19) VCF-style: chr11-65429564-C-T.
Other names: c.35-5G>A (NM_001145138.2, NM_001243984.2, NM_001243985.2).
Identifiers: ClinVar variation 1435970 (VCV001435970.8), dbSNP rs375580666, ClinGen allele CA6106988.
Genomic context (GRCh38, chr11:65,662,093, plus strand): 5'-CCGCTGCTTGGGCTGCTCAATGATCTCCACATAGGGGCCAGAGGCCTGGGCTGGCTCTGC[C>T]AGGGGACACCGCAGCCCCATTAGGCGGCTGCCCCCACTGCCCTACCCCAGGGAGCACCTC-3'

ClinVar aggregate classification (germline): Uncertain significance (1 of 4 stars; one submission).

Allele frequency attached by ClinVar (database versions not stated): gnomAD 0.00003; ESP Exome Variant Server 0.00015.
gnomAD v4.1: 110 of 1,608,990 alleles (0.0068%); highest among the groups gnomAD compares: Non-Finnish European, 0.0088%; no homozygotes.

Submission:

Labcorp Genetics (formerly Invitae), Labcorp
Classification: Uncertain significance. Last evaluated: 2026-01-27. Review status: criteria provided, single submitter. Criteria: Invitae Variant Classification Sherloc (09022015). Collection method: clinical testing. Allele origin: germline.
Comment: This sequence change falls in intron 2 of the RELA gene. It does not directly change the encoded amino acid sequence of the RELA protein. This variant is present in population databases (rs375580666, gnomAD 0.005%). This variant has not been reported in the literature in individuals affected with RELA-related conditions. ClinVar contains an entry for this variant (Variation ID: 1435970). Algorithms developed to predict the effect of sequence changes on RNA splicing suggest that this variant may create or strengthen a splice site. In summary, the available evidence is currently insufficient to determine the role of this variant in disease. Therefore, it has been classified as a Variant of Uncertain Significance.